The following is an entry in ClinVar:

NM_173354.5(SIK1):c.1046G>A (p.Arg349Gln)

Gene: SIK1 (salt inducible kinase 1; minus strand). Cytogenetic location: 21q22.3.
Variant type: single nucleotide variant.
Coding change: c.1046G>A on transcript NM_173354.5 (MANE Select); coding-DNA position 1046, G replaced by A.
Protein change: p.Arg349Gln; replaces arginine 349 with glutamine.
Molecular consequence: missense variant.
Genome position (GRCh38, 1-based): chr21:43,419,932, C>T on the plus strand (G>A on the coding strand, the complement: SIK1 is on the minus strand). VCF-style: chr21-43419932-C-T. GRCh37 (hg19) VCF-style: chr21-44839812-C-T.
Other names: short protein forms R349Q.
Identifiers: ClinVar variation 589942 (VCV000589942.11), dbSNP rs753524703, ClinGen allele CA321326528.
Genomic context (GRCh38, chr21:43,419,932, plus strand): 5'-AGGTCCGAGCTCCGAGGCCGCGGCTGCCTGGCAGGCCCGGGGCGGGCGCACTGGGCATTC[C>T]GATACTCCTTGAGCCGCTCAAGGAGGAGGTAATAAATGGCAGCAAAGTGGTTATAGCTGC-3'
Protein context (NP_775490.2, residues 339-359): YLLLERLKEY[Arg349Gln]NAQCARPGPA

ClinVar aggregate classification (germline): Uncertain significance. Review status: criteria provided, multiple submitters, no conflicts (2 of 4 stars). 2 submissions from 2 submitters: Uncertain significance (2). Last evaluated 2026-01-24.

Conditions:
Inborn genetic diseases. Identifiers: MedGen C0950123, MeSH D030342.
Developmental and epileptic encephalopathy, 30 (DEE30). Also called: Epileptic encephalopathy, early infantile, 30. Identifiers: MedGen C4225360, MONDO:0014595, OMIM 616341.

Allele frequency attached by ClinVar (database versions not stated): ExAC 0.00001; gnomAD exomes 0.00002.

Submissions (2):

Labcorp Genetics (formerly Invitae), Labcorp
Classification: Uncertain significance for Developmental and epileptic encephalopathy, 30. Last evaluated: 2026-01-24. Review status: criteria provided, single submitter. Criteria: Invitae Variant Classification Sherloc (09022015). Collection method: clinical testing. Allele origin: germline.
Comment: This sequence change replaces arginine, which is basic and polar, with glutamine, which is neutral and polar, at codon 349 of the SIK1 protein (p.Arg349Gln). This variant is present in population databases (rs753524703, gnomAD 0.01%). This variant has not been reported in the literature in individuals affected with SIK1-related conditions. ClinVar contains an entry for this variant (Variation ID: 589942). An algorithm developed to predict the effect of missense changes on protein structure and function (PolyPhen-2) suggests that this variant is likely to be disruptive. In summary, the available evidence is currently insufficient to determine the role of this variant in disease. Therefore, it has been classified as a Variant of Uncertain Significance.

Ambry Genetics
Classification: Uncertain significance for Inborn genetic diseases. Last evaluated: 2017-05-16. Review status: criteria provided, single submitter. Criteria: Ambry Variant Classification Scheme 2023. Collection method: clinical testing. Allele origin: germline.
Comment: The p.R349Q variant (also known as c.1046G>A), located in coding exon 8 of the SIK1 gene, results from a G to A substitution at nucleotide position 1046. The arginine at codon 349 is replaced by glutamine, an amino acid with highly similar properties. This amino acid position is well conserved in available vertebrate species. In addition, this alteration is predicted to be tolerated by in silico analysis. Since supporting evidence is limited at this time, the clinical significance of this alteration remains unclear.